The following is an entry in ClinVar:

ClinVar aggregate classification (germline): Conflicting classifications of pathogenicity. Review status: criteria provided, conflicting classifications (1 of 4 stars). 4 submissions from 4 submitters: Likely pathogenic (2); Uncertain significance (1). 1 of the submissions does not count toward it. Last evaluated 2024-11-20.

Conditions:
Congenital hypotonia, epilepsy, developmental delay, and digital anomalies (CHEDDA). Also called: ATN1-Related Neurodevelopmental Disorder. Identifiers: MedGen C5193125, MONDO:0032781, OMIM 618494.

Submissions (4):

GeneDx
Classification: Likely pathogenic. Last evaluated: 2024-11-20. Review status: criteria provided, single submitter. Criteria: GeneDx Variant Classification Process June 2021. Collection method: clinical testing. Allele origin: germline. Affected: yes.
Comment: Not observed at significant frequency in large population cohorts (gnomAD); In silico analysis supports that this missense variant has a deleterious effect on protein structure/function; This variant is associated with the following publications: (PMID: 35363364, 37644014, 30827498, 26112015)

Blueprint Genetics
Classification: Uncertain significance. Last evaluated: 2018-09-18. Review status: criteria provided, single submitter. Criteria: ACMG Guidelines, 2015. Collection method: clinical testing. Allele origin: germline.

Genomic Medicine Center of Excellence, King Faisal Specialist Hospital and Research Centre
Classification: Likely pathogenic. Review status: criteria provided, single submitter. Criteria: ACMG Guidelines, 2015. Collection method: research. Allele origin: germline. Affected: yes.

OMIM
Classification: Pathogenic for CONGENITAL HYPOTONIA, EPILEPSY, DEVELOPMENTAL DELAY, AND DIGITAL ANOMALIES. Last evaluated: 2019-07-15. Review status: no assertion criteria provided. Collection method: literature only. Allele origin: germline. Not counted in ClinVar's aggregate classification.

Literature cited by the submitters: PubMed 30827498 (cited by OMIM).

NM_001940.4(ATN1):c.3178C>T (p.His1060Tyr)

Gene: ATN1 (atrophin 1; plus strand). Cytogenetic location: 12p13.31.
Variant type: single nucleotide variant.
Coding change: c.3178C>T on transcript NM_001940.4 (MANE Select); coding-DNA position 3178, C replaced by T.
Protein change: p.His1060Tyr; replaces histidine 1060 with tyrosine.
Molecular consequence: missense variant.
Genome position (GRCh38, 1-based): chr12:6,939,141, C>T. VCF-style: chr12-6939141-C-T. GRCh37 (hg19) VCF-style: chr12-7048304-C-T.
Other names: c.3178C>T, p.His1060Tyr (NM_001007026.2); short protein forms H1060Y.
Identifiers: ClinVar variation 191276 (VCV000191276.8), dbSNP rs797044566, ClinGen allele CA236392.